The following is an entry in ClinVar:

NM_006734.4(HIVEP2):c.13_14delinsAT (p.Asp5Ile)

Gene: HIVEP2 (HIVEP zinc finger 2; minus strand). Cytogenetic location: 6q24.2.
Variant type: Indel.
Coding change: c.13_14delinsAT on transcript NM_006734.4 (MANE Select); coding-DNA positions 13 to 14, GA replaced by AT.
Protein change: p.Asp5Ile; replaces aspartic acid 5 with isoleucine.
Molecular consequence: missense variant.
Genome position (GRCh38, 1-based): chr6:142,774,725-142,774,726, TC replaced by AT on the plus strand (GA replaced by AT on the coding strand, the reverse complement: HIVEP2 is on the minus strand). VCF-style: chr6-142774725-TC-AT. GRCh37 (hg19) VCF-style: chr6-143095862-TC-AT.
Other names: c.13_14delinsAT, p.Asp5Ile (NM_001438449.1, NM_001438450.1, NM_001438451.1); short protein forms D5I.
Identifiers: ClinVar variation 4797817 (VCV004797817.1).

ClinVar aggregate classification (germline): Uncertain significance (1 of 4 stars; one submission).

Submission:

Labcorp Genetics (formerly Invitae), Labcorp
Classification: Uncertain significance. Last evaluated: 2025-04-10. Review status: criteria provided, single submitter. Criteria: Invitae Variant Classification Sherloc (09022015). Collection method: clinical testing. Allele origin: germline.
Comment: This sequence change replaces aspartic acid, which is acidic and polar, with isoleucine, which is neutral and non-polar, at codon 5 of the HIVEP2 protein (p.Asp5Ile). Information on the frequency of this variant in the gnomAD database is not available, as this variant may be reported differently in the database. This variant has not been reported in the literature in individuals affected with HIVEP2-related conditions. An algorithm developed to predict the effect of missense changes on protein structure and function (PolyPhen-2) suggests that this variant is likely to be disruptive. In summary, the available evidence is currently insufficient to determine the role of this variant in disease. Therefore, it has been classified as a Variant of Uncertain Significance.